The following is an entry in ClinVar:

ClinVar aggregate classification (germline): Uncertain significance (1 of 4 stars; one submission).

Conditions:
Glycogen storage disease type III (GSD3). Also called: FORBES DISEASE; Cori disease. Identifiers: Orphanet 366, MedGen C0017922, MONDO:0009291, OMIM 232400.

Allele frequency attached by ClinVar (database versions not stated): gnomAD exomes below 0.00001 and 0.00001; TOPMed below 0.00001; gnomAD 0.00001; ExAC 0.00002.
gnomAD v4.1: 7 of 1,604,988 alleles (0.00044%); highest among the groups gnomAD compares: Non-Finnish European, 0.0006%; no homozygotes.

Submission:

Labcorp Genetics (formerly Invitae), Labcorp
Classification: Uncertain significance for Glycogen storage disease type III. Last evaluated: 2022-06-21. Review status: criteria provided, single submitter. Criteria: Invitae Variant Classification Sherloc (09022015). Collection method: clinical testing. Allele origin: germline.
Comment: This sequence change replaces isoleucine, which is neutral and non-polar, with methionine, which is neutral and non-polar, at codon 288 of the AGL protein (p.Ile288Met). This variant is present in population databases (rs771965730, gnomAD 0.002%). This variant has not been reported in the literature in individuals affected with AGL-related conditions. ClinVar contains an entry for this variant (Variation ID: 643523). Algorithms developed to predict the effect of missense changes on protein structure and function (SIFT, PolyPhen-2, Align-GVGD) all suggest that this variant is likely to be tolerated. In summary, the available evidence is currently insufficient to determine the role of this variant in disease. Therefore, it has been classified as a Variant of Uncertain Significance.

NM_000642.3(AGL):c.864T>G (p.Ile288Met)

Gene: AGL (amylo-alpha-1,6-glucosidase and 4-alpha-glucanotransferase; plus strand). Cytogenetic location: 1p21.2.
Variant type: single nucleotide variant.
Coding change: c.864T>G on transcript NM_000642.3 (MANE Select); coding-DNA position 864, T replaced by G.
Protein change: p.Ile288Met; replaces isoleucine 288 with methionine.
Molecular consequence: missense variant.
Genome position (GRCh38, 1-based): chr1:99,870,775, T>G. VCF-style: chr1-99870775-T-G. GRCh37 (hg19) VCF-style: chr1-100336331-T-G.
Other names: c.864T>G, p.Ile288Met (NM_001425327.1, NM_000028.3, NM_000643.3 and 3 more transcripts); c.660T>G, p.Ile220Met (NM_001425328.1, NM_001425329.1); c.486T>G, p.Ile162Met (NM_001425332.1); c.816T>G, p.Ile272Met (NM_000646.3); short protein forms I288M, I272M, I162M, I220M.
Identifiers: ClinVar variation 643523 (VCV000643523.4), dbSNP rs771965730, ClinGen allele CA966300.